The following is an entry in ClinVar:

NC_000016.10:g.(?_89767135)_(89816621_?)del

Genes: FANCA (FA complementation group A; minus strand), LOC112486223 (Sharpr-MPRA regulatory region 3988; plus strand), LOC130059839 (ATAC-STARR-seq lymphoblastoid silent region 7925; plus strand). Cytogenetic location: 16q24.3.
Variant type: Deletion.
Identifiers: ClinVar variation 526505 (VCV000526505.1).

ClinVar aggregate classification (germline): Pathogenic (1 of 4 stars; one submission).

Conditions:
Fanconi anemia (FA). Also called: Fanconi's anemia. Identifiers: Orphanet 84, MedGen C0015625, MeSH D005199, MONDO:0019391.

Submission:

Labcorp Genetics (formerly Invitae), Labcorp
Classification: Pathogenic for Fanconi anemia. Last evaluated: 2017-11-09. Review status: criteria provided, single submitter. Criteria: Invitae Variant Classification Sherloc (09022015). Collection method: clinical testing. Allele origin: germline.
Comment: This variant is a gross deletion of the genomic region encompassing exons 1-27 of the FANCA gene, which includes the initiator codon. The 5' end of this event is unknown as it extends beyond the assayed region for this gene and therefore may encompass additional genes. The 3' boundary is likely confined to intron 27 of the FANCA gene. This is expected to result in an absent or disrupted protein product. While this particular variant has not been reported in the literature, similar, smaller sub-genic deletions encompassed by this variant have been observed in individuals affected with Fanconi anemia (PMID: 22720145, 26799702, 27041517). Loss-of-function variants in FANCA are known to be pathogenic (PMID: 19367192). For these reasons, this variant has been classified as Pathogenic.

Literature cited by the submitters: PubMed 26799702; PubMed 22720145; PubMed 27041517.